The following is an entry in ClinVar:

ClinVar aggregate classification (germline): Uncertain significance (1 of 4 stars; one submission).

Conditions:
Inborn genetic diseases. Identifiers: MedGen C0950123, MeSH D030342.

Allele frequency attached by ClinVar (database versions not stated): gnomAD exomes 0.00001; TOPMed 0.00001.
gnomAD v4.1: 9 of 1,614,060 alleles (0.00056%); highest among the groups gnomAD compares: Non-Finnish European, 0.00076%; no homozygotes.

Submission:

Ambry Genetics
Classification: Uncertain significance for Inborn genetic diseases. Last evaluated: 2024-12-15. Review status: criteria provided, single submitter. Criteria: Ambry Variant Classification Scheme 2023. Collection method: clinical testing. Allele origin: germline.
Comment: The p.D415E variant (also known as c.1245T>A), located in coding exon 12 of the ASXL1 gene, results from a T to A substitution at nucleotide position 1245. The aspartic acid at codon 415 is replaced by glutamic acid, an amino acid with highly similar properties. This amino acid position is conserved. In addition, this alteration is predicted to be tolerated by in silico analysis. Based on the available evidence, the clinical significance of this variant remains unclear.

NM_015338.6(ASXL1):c.1245T>A (p.Asp415Glu)

Gene: ASXL1 (ASXL transcriptional regulator 1; plus strand). Cytogenetic location: 20q11.21.
Variant type: single nucleotide variant.
Coding change: c.1245T>A on transcript NM_015338.6 (MANE Select); coding-DNA position 1245, T replaced by A.
Protein change: p.Asp415Glu; replaces aspartic acid 415 with glutamic acid.
Molecular consequence: missense variant.
Genome position (GRCh38, 1-based): chr20:32,433,443, T>A. VCF-style: chr20-32433443-T-A. GRCh37 (hg19) VCF-style: chr20-31021246-T-A.
Other names: c.1062T>A, p.Asp354Glu (NM_001363734.1); short protein forms D354E, D415E.
Identifiers: ClinVar variation 2539812 (VCV002539812.3), dbSNP rs1569324291, ClinGen allele CA408556163.
Genomic context (GRCh38, chr20:32,433,443, plus strand): 5'-ACAGCGTGGTCCAGCCACCCGACAGCGAGATGGGCATTTTAAGAAACGCTCTCGGCCAGA[T>A]CTCCGAACCAGAGCCAGAAGGAATCTGTACAAAAAACAGGAGTCAGAACAAGCAGGGGTT-3'
Protein context (NP_056153.2, residues 405-425): DGHFKKRSRP[Asp415Glu]LRTRARRNLY